The following is an entry in ClinVar:

ClinVar aggregate classification (germline): Likely benign. Review status: criteria provided, multiple submitters, no conflicts (2 of 4 stars). 3 submissions from 3 submitters: Likely benign (3). Last evaluated 2024-06-17.

Conditions:
Cardiovascular phenotype. Identifiers: MedGen CN230736.
Dilated cardiomyopathy 1G (CMD1G). Identifiers: Orphanet 154, MedGen C1858763, MONDO:0011400, OMIM 604145.
Autosomal recessive limb-girdle muscular dystrophy type 2J (LGMDR10). Also called: Limb-girdle muscular dystrophy, type 2J; MUSCULAR DYSTROPHY, LIMB-GIRDLE, AUTOSOMAL RECESSIVE 10. Identifiers: Orphanet 140922, MedGen C1837342, MONDO:0012127, OMIM 608807.

Allele frequency attached by ClinVar (database versions not stated): gnomAD exomes below 0.00001.
gnomAD v4.1: 2 of 1,614,058 alleles (0.00012%); highest among the groups gnomAD compares: Middle Eastern, 0.016%; no homozygotes.

Submissions (3):

Labcorp Genetics (formerly Invitae), Labcorp
Classification: Likely benign for Dilated cardiomyopathy 1G; Autosomal recessive limb-girdle muscular dystrophy type 2J. Last evaluated: 2024-06-17. Review status: criteria provided, single submitter. Criteria: Invitae Variant Classification Sherloc (09022015). Collection method: clinical testing. Allele origin: germline.

Ambry Genetics
Classification: Likely benign for Cardiovascular phenotype. Last evaluated: 2023-09-28. Review status: criteria provided, single submitter. Criteria: Ambry Variant Classification Scheme 2023. Collection method: clinical testing. Allele origin: germline.

GeneDx
Classification: Likely benign. Last evaluated: 2017-06-26. Review status: criteria provided, single submitter. Criteria: GeneDx Variant Classification (06012015). Collection method: clinical testing. Allele origin: germline. Affected: yes.
Comment: This variant is considered likely benign or benign based on one or more of the following criteria: it is a conservative change, it occurs at a poorly conserved position in the protein, it is predicted to be benign by multiple in silico algorithms, and/or has population frequency not consistent with disease.

NM_001267550.2(TTN):c.7203T>C (p.Val2401=)

Genes: TTN (titin; minus strand), LOC126806433 (BRD4-independent group 4 enhancer GRCh37_chr2:179638309-179639508; plus strand). Cytogenetic location: 2q31.2.
Variant type: single nucleotide variant.
Coding change: c.7203T>C on transcript NM_001267550.2 (MANE Select); coding-DNA position 7203, T replaced by C.
Protein change: p.Val2401=; no amino-acid change (valine 2401 retained).
Molecular consequence: synonymous variant.
Genome position (GRCh38, 1-based): chr2:178,773,965, A>G on the plus strand (T>C on the coding strand, the complement: TTN is on the minus strand). VCF-style: chr2-178773965-A-G. GRCh37 (hg19) VCF-style: chr2-179638692-A-G.
Other names: c.7065T>C, p.Val2355= (NM_003319.4, NM_133432.3, NM_133437.4); c.7203T>C, p.Val2401= (NM_133378.4, NM_133379.5, NM_001256850.1).
Identifiers: ClinVar variation 510553 (VCV000510553.7), dbSNP rs1345996453, ClinGen allele CA430299863.